The following is an entry in ClinVar:

NM_173630.4(RTTN):c.2055+7C>T

Gene: RTTN (rotatin; minus strand). Cytogenetic location: 18q22.2.
Variant type: single nucleotide variant.
Coding change: c.2055+7C>T on transcript NM_173630.4 (MANE Select); 7 bases into the intron after coding-DNA position 2055, C replaced by T.
Molecular consequence: intron variant.
Genome position (GRCh38, 1-based): chr18:70,150,601, G>A on the plus strand (C>T on the coding strand, the complement: RTTN is on the minus strand). VCF-style: chr18-70150601-G-A. GRCh37 (hg19) VCF-style: chr18-67817837-G-A.
Other names: c.-593+7C>T (NM_001318520.2).
Identifiers: ClinVar variation 130169 (VCV000130169.17), dbSNP rs117843366, ClinGen allele CA154992.

ClinVar aggregate classification (germline): Benign. Review status: criteria provided, multiple submitters, no conflicts (2 of 4 stars). 5 submissions from 5 submitters: Benign (4). 1 of the submissions does not count toward it. Last evaluated 2026-02-03.

Allele frequency attached by ClinVar (database versions not stated): 1000 Genomes Project 0.00978; 1000 Genomes Project 30x 0.01140; ExAC 0.01547; gnomAD exomes 0.01585 and 0.02164; gnomAD 0.01653 and 0.01697; TOPMed 0.01697; ESP Exome Variant Server 0.01989.
gnomAD v4.1: 33,792 of 1,610,260 alleles (2.1%); highest among the groups gnomAD compares: Non-Finnish European, 2.5%; 451 homozygotes.

Submissions (5):

Labcorp Genetics (formerly Invitae), Labcorp
Classification: Benign. Last evaluated: 2026-02-03. Review status: criteria provided, single submitter. Criteria: Invitae Variant Classification Sherloc (09022015). Collection method: clinical testing. Allele origin: germline.

Laboratory for Molecular Medicine, Mass General Brigham Personalized Medicine
Classification: Benign. Last evaluated: 2016-03-29. Review status: criteria provided, single submitter. Criteria: LMM Criteria. Collection method: clinical testing. Allele origin: germline.
Comment: Variant identified in a genome or exome case(s) and assessed due to predicted null impact of the variant or pathogenic assertions in the literature or databases. Disclaimer: This variant has not undergone full assessment. The following are preliminary notes: Frequency, outside splice consensus

GeneDx
Classification: Benign. Last evaluated: 2016-02-11. Review status: criteria provided, single submitter. Criteria: GeneDx Variant Classification (06012015). Collection method: clinical testing. Allele origin: germline. Affected: yes.
Comment: This variant is considered likely benign or benign based on one or more of the following criteria: it is a conservative change, it occurs at a poorly conserved position in the protein, it is predicted to be benign by multiple in silico algorithms, and/or has population frequency not consistent with disease.

Breakthrough Genomics
Classification: Benign. Review status: criteria provided, single submitter. Criteria: ACMG Guidelines, 2015. Collection method: not provided. Allele origin: germline. Inheritance: Autosomal recessive inheritance. Affected: yes.

Genetic Services Laboratory, University of Chicago
Classification: Likely benign for AllHighlyPenetrant. Review status: no assertion criteria provided. Collection method: clinical testing. Allele origin: germline. Inheritance: Autosomal recessive inheritance. Not counted in ClinVar's aggregate classification.
Comment: Likely benign based on allele frequency in 1000 Genomes Project or ESP global frequency and its presence in a patient with a rare or unrelated disease phenotype. NOT Sanger confirmed.